The following is an entry in ClinVar:

NM_004393.6(DAG1):c.1360del (p.Arg454fs)

Gene: DAG1 (dystroglycan 1; plus strand). Cytogenetic location: 3p21.31.
Variant type: Deletion.
Coding change: c.1360del on transcript NM_004393.6 (MANE Select); coding-DNA position 1360, one base deleted (C; older notation c.1360delC).
Protein change: p.Arg454fs; shifts the reading frame from arginine 454.
Molecular consequence: frameshift variant.
Genome position (GRCh38, 1-based): chr3:49,531,871, C deleted. VCF-style (leftmost placement, unchanged base first): chr3-49531870-AC-A. GRCh37 (hg19) VCF-style: chr3-49569303-AC-A.
Other names: c.1360del, p.Arg454fs (NM_001165928.4, NM_001177634.3, NM_001177635.3 and 9 more transcripts); short protein forms R454fs.
Identifiers: ClinVar variation 1003611 (VCV001003611.5), dbSNP rs2051359062, ClinGen allele CA1363533041.

ClinVar aggregate classification (germline): Uncertain significance (1 of 4 stars; one submission).

Conditions:
Autosomal recessive limb-girdle muscular dystrophy type 2P. Also called: Limb-Girdle Muscular Dystrophy Type 9C; MUSCULAR DYSTROPHY, LIMB-GIRDLE, TYPE 2P; MUSCULAR DYSTROPHY-DYSTROGLYCANOPATHY, LIMB-GIRDLE, DAG1-RELATED. Identifiers: Orphanet 280333, MedGen C4511963, MONDO:0013440, OMIM 613818.
Muscular dystrophy-dystroglycanopathy (congenital with brain and eye anomalies), type A9. Also called: WALKER-WARBURG SYNDROME OR MUSCLE-EYE BRAIN DISEASE, DAG1-RELATED; Muscular dystrophy-dystroglycanopathy (congenital with brain and eye anomalies), type a, 9. Identifiers: Orphanet 370997, Orphanet 899, MedGen C4225291, MONDO:0014683, OMIM 616538.

Submission:

Labcorp Genetics (formerly Invitae), Labcorp
Classification: Uncertain significance for Autosomal recessive limb-girdle muscular dystrophy type 2P; Muscular dystrophy-dystroglycanopathy (congenital with brain and eye anomalies), type A9. Last evaluated: 2020-03-18. Review status: criteria provided, single submitter. Criteria: Invitae Variant Classification Sherloc (09022015). Collection method: clinical testing. Allele origin: germline.
Comment: This sequence change results in a premature translational stop signal in the DAG1 gene (p.Arg454Glyfs*53). While this is not anticipated to result in nonsense mediated decay, it is expected to disrupt the last 442 amino acids of the DAG1 protein. This variant is not present in population databases (ExAC no frequency). This variant has not been reported in the literature in individuals with DAG1-related conditions. In summary, the available evidence is currently insufficient to determine the role of this variant in disease. Therefore, it has been classified as a Variant of Uncertain Significance.